The following is an entry in ClinVar:

NM_003356.4(UCP3):c.573C>T (p.Ile191=)

Genes: UCP3 (uncoupling protein 3; minus strand), LOC126861261 (MED14-independent group 3 enhancer GRCh37_chr11:73715060-73716259; plus strand). Cytogenetic location: 11q13.4.
Variant type: single nucleotide variant.
Coding change: c.573C>T on transcript NM_003356.4 (MANE Select); coding-DNA position 573, C replaced by T.
Protein change: p.Ile191=; no amino-acid change (isoleucine 191 retained).
Molecular consequence: synonymous variant.
Genome position (GRCh38, 1-based): chr11:74,004,554, G>A on the plus strand (C>T on the coding strand, the complement: UCP3 is on the minus strand). VCF-style: chr11-74004554-G-A. GRCh37 (hg19) VCF-style: chr11-73715599-G-A.
Other names: c.573C>T, p.Ile191= (NM_022803.3).
Identifiers: ClinVar variation 4988445 (VCV004988445.1).

ClinVar aggregate classification (germline): Likely benign (1 of 4 stars; one submission).

Conditions:
UCP3-related disorder. Also called: UCP3-related condition.

gnomAD v4.1: 8 of 1,613,836 alleles (0.0005%); highest among the groups gnomAD compares: South Asian, 0.0044%; no homozygotes.

Submission:

PreventionGenetics, part of Exact Sciences
Classification: Likely benign for UCP3-related condition. Last evaluated: 2025-03-17. Review status: criteria provided, single submitter. Criteria: ACMG Guidelines, 2015. Collection method: clinical testing. Allele origin: germline.
Comment: This variant is classified as likely benign based on ACMG/AMP sequence variant interpretation guidelines (Richards et al. 2015 PMID: 25741868, with internal and published modifications).